The following is an entry in ClinVar:

ClinVar aggregate classification (germline): Benign (3 of 4 stars; one submission).

Conditions:
Breast-ovarian cancer, familial, susceptibility to, 1 (BROVCA1). Also called: BRCA1 Hereditary Breast and Ovarian Cancer; OVARIAN CANCER, SUSCEPTIBILITY TO. Identifiers: Orphanet 145, MedGen C2676676, MONDO:0011450, OMIM 604370. Disease mechanism: loss of function.

Allele frequency attached by ClinVar (database versions not stated): TOPMed 0.30167; gnomAD 0.30884 and 0.31630; 1000 Genomes Project 30x 0.34775; 1000 Genomes Project 0.35343.
gnomAD v4.1: 48,022 of 151,794 alleles (32%); highest among the groups gnomAD compares: South Asian, 49%; 7,921 homozygotes.

Submission:

Evidence-based Network for the Interpretation of Germline Mutant Alleles (ENIGMA)
Classification: Benign for Breast-ovarian cancer, familial 1. Last evaluated: 2015-01-12. Review status: reviewed by expert panel. Criteria: ENIGMA BRCA1/2 Classification Criteria (2015). Collection method: curation. Allele origin: germline.
Comment: Class 1 not pathogenic based on frequency >1% in an outbred sampleset. Frequency 0.3304 (Asian), 0.2154 (African), 0.3602 (European), derived from 1000 genomes (2012-04-30).

NM_007294.4(BRCA1):c.135-2683G>A

Gene: BRCA1 (BRCA1 DNA repair associated; minus strand). Cytogenetic location: 17q21.31.
Variant type: single nucleotide variant.
Coding change: c.135-2683G>A on transcript NM_007294.4 (MANE Select); 2683 bases into the intron before coding-DNA position 135, G replaced by A.
Molecular consequence: intron variant.
Genome position (GRCh38, 1-based): chr17:43,109,216, C>T on the plus strand (G>A on the coding strand, the complement: BRCA1 is on the minus strand). VCF-style: chr17-43109216-C-T. GRCh37 (hg19) VCF-style: chr17-41261233-C-T.
Other names: IVS 3-2683G>A; c.135-2683G>A (NM_001408494.1, NM_001408444.1, NM_001408438.1 and 167 more transcripts); c.-55+1249G>A (NM_001408492.1, NM_001407900.1); c.-8+1249G>A (NM_001408468.1, NM_001407842.1, NM_001407749.1 and 14 more transcripts); c.-54-2683G>A (NM_001407889.1, NM_001408513.1, NM_001407899.1 and 56 more transcripts); c.-7-2683G>A (NM_001407695.1, NM_001407846.1, NM_001407726.1 and 82 more transcripts); c.-218-14356G>A (NM_001407966.1, NM_001407967.1); c.-169-4260G>A (NM_001407963.1, NM_001407960.1, NM_001407959.1 and 3 more transcripts); and 3 more.
Identifiers: ClinVar variation 209503 (VCV000209503.2), dbSNP rs8176120, ClinGen allele CA276473.